The following is an entry in ClinVar:

ClinVar aggregate classification (germline): Pathogenic/Likely pathogenic. Review status: criteria provided, multiple submitters, no conflicts (2 of 4 stars). 2 submissions from 2 submitters: Pathogenic (1); Likely pathogenic (1). Last evaluated 2023-05-19.

Conditions:
Junctional epidermolysis bullosa gravis of Herlitz. Also called: Epidermolysis Bullosa Letalis; EPIDERMOLYSIS BULLOSA JUNCTIONALIS, HERLITZ TYPE; EPIDERMOLYSIS BULLOSA, JUNCTIONAL, HERLITZ-PEARSON TYPE; JEB-HERLITZ TYPE; Herlitz-type junctional epidermolysis bullosa; EPIDERMOLYSIS BULLOSA, JUNCTIONAL 1B, SEVERE. Identifiers: Orphanet 79404, MedGen C0079683, MONDO:0009182, OMIM 226700.

Submissions (2):

Labcorp Genetics (formerly Invitae), Labcorp
Classification: Pathogenic. Last evaluated: 2023-05-19. Review status: criteria provided, single submitter. Criteria: Invitae Variant Classification Sherloc (09022015). Collection method: clinical testing. Allele origin: germline.
Comment: This sequence change creates a premature translational stop signal (p.Cys316*) in the LAMB3 gene. It is expected to result in an absent or disrupted protein product. Loss-of-function variants in LAMB3 are known to be pathogenic (PMID: 11023379, 16473856). For these reasons, this variant has been classified as Pathogenic. Algorithms developed to predict the effect of sequence changes on RNA splicing suggest that this variant may create or strengthen a splice site. ClinVar contains an entry for this variant (Variation ID: 984103). This variant has not been reported in the literature in individuals affected with LAMB3-related conditions. This variant is not present in population databases (gnomAD no frequency).

Myriad Genetics, Inc.
Classification: Likely pathogenic for Junctional epidermolysis bullosa gravis of Herlitz. Last evaluated: 2019-12-27. Review status: criteria provided, single submitter. Criteria: Myriad Women's Health Autosomal Recessive and X-Linked Classification Criteria (2019). Collection method: clinical testing. Allele origin: unknown.
Comment: NM_000228.2(LAMB3):c.948C>A(C316*) is expected to be pathogenic in the context of Herlitz junctional epidermolysis bullosa, LAMB3-related. This variant is predicted to lead to an abnormal or absent protein product due to the creation of a premature termination codon in LAMB3, a gene where loss-of-function variants are known to be pathogenic. Please note: this variant was assessed in the context of healthy population screening.

Literature cited by the submitters: PubMed 11023379 (cited by Labcorp Genetics (formerly Invitae), Labcorp); PubMed 16473856 (cited by Labcorp Genetics (formerly Invitae), Labcorp).

NM_000228.3(LAMB3):c.948C>A (p.Cys316Ter)

Gene: LAMB3 (laminin subunit beta 3; minus strand). Cytogenetic location: 1q32.2.
Variant type: single nucleotide variant.
Coding change: c.948C>A on transcript NM_000228.3 (MANE Select); coding-DNA position 948, C replaced by A.
Protein change: p.Cys316Ter; replaces cysteine 316 with a stop codon.
Molecular consequence: nonsense.
Genome position (GRCh38, 1-based): chr1:209,629,921, G>T on the plus strand (C>A on the coding strand, the complement: LAMB3 is on the minus strand). VCF-style: chr1-209629921-G-T. GRCh37 (hg19) VCF-style: chr1-209803266-G-T.
Other names: c.948C>A, p.Cys316Ter (NM_001017402.2, NM_001127641.1); short protein forms C316*.
Identifiers: ClinVar variation 984103 (VCV000984103.6), dbSNP rs779681550, ClinGen allele CA344593028.